The following is an entry in ClinVar:

ClinVar aggregate classification (germline): Uncertain significance (1 of 4 stars; one submission).

Conditions:
Arrhythmogenic right ventricular dysplasia 11. Also called: ARRHYTHMOGENIC RIGHT VENTRICULAR DYSPLASIA, FAMILIAL, 11; Arrhythmogenic Right Ventricular Dysplasia/Cardiomyopathy11; Arrhythmogenic right ventricular dysplasia 11 with mild palmoplantar keratoderma and woolly hair. Identifiers: MedGen C1864850, MONDO:0012506, OMIM 610476.

Submission:

Labcorp Genetics (formerly Invitae), Labcorp
Classification: Uncertain significance for Arrhythmogenic right ventricular dysplasia 11. Last evaluated: 2025-10-26. Review status: criteria provided, single submitter. Criteria: Invitae Variant Classification Sherloc (09022015). Collection method: clinical testing. Allele origin: germline.
Comment: This sequence change replaces alanine, which is neutral and non-polar, with phenylalanine, which is neutral and non-polar, at codon 213 of the DSC2 protein (p.Ala213Phe). Information on the frequency of this variant in the gnomAD database is not available, as this variant may be reported differently in the database. This variant has not been reported in the literature in individuals affected with DSC2-related conditions. Experimental studies and prediction algorithms are not available or were not evaluated, and the functional significance of this variant is currently unknown. In summary, the available evidence is currently insufficient to determine the role of this variant in disease. Therefore, it has been classified as a Variant of Uncertain Significance.

NM_024422.6(DSC2):c.637_638delinsTT (p.Ala213Phe)

Gene: DSC2 (desmocollin 2; minus strand). Cytogenetic location: 18q12.1.
Variant type: Indel.
Coding change: c.637_638delinsTT on transcript NM_024422.6 (MANE Select); coding-DNA positions 637 to 638, GC replaced by TT.
Protein change: p.Ala213Phe; replaces alanine 213 with phenylalanine.
Molecular consequence: missense variant.
Genome position (GRCh38, 1-based): chr18:31,087,806-31,087,807, GC replaced by AA on the plus strand (GC replaced by TT on the coding strand, the reverse complement: DSC2 is on the minus strand). VCF-style: chr18-31087806-GC-AA. GRCh37 (hg19) VCF-style: chr18-28667769-GC-AA.
Other names: c.208_209delinsTT, p.Ala70Phe (NM_001406506.1, NM_001406507.1); c.637_638delinsTT, p.Ala213Phe (NM_004949.5); short protein forms A213F, A70F.
Identifiers: ClinVar variation 4797255 (VCV004797255.1).